The following is an entry in ClinVar:

ClinVar aggregate classification (germline): Likely benign (1 of 4 stars; one submission).

Allele frequency attached by ClinVar (database versions not stated): ExAC 0.00003; gnomAD 0.00005; gnomAD exomes 0.00007; TOPMed 0.00008; ESP Exome Variant Server 0.00010.
gnomAD v4.1: 90 of 1,204,477 alleles (0.0075%); highest among the groups gnomAD compares: African/African-American, 0.014%; no homozygotes.

Submission:

CeGaT Center for Human Genetics Tuebingen
Classification: Likely benign. Last evaluated: 2023-01-01. Review status: criteria provided, single submitter. Criteria: CeGaT Center For Human Genetics Tuebingen Variant Classification Criteria Version 2. Collection method: clinical testing. Allele origin: germline. Affected: yes. Observed: 1 variant allele.
Comment: EFHC2: BP4, BP7, BS2

NM_025184.4(EFHC2):c.960C>T (p.Phe320=)

Gene: EFHC2 (EF-hand domain containing 2; minus strand). Cytogenetic location: Xp11.3.
Variant type: single nucleotide variant.
Coding change: c.960C>T on transcript NM_025184.4 (MANE Select); coding-DNA position 960, C replaced by T.
Protein change: p.Phe320=; no amino-acid change (phenylalanine 320 retained).
Molecular consequence: synonymous variant.
Genome position (GRCh38, 1-based): chrX:44,248,815, G>A on the plus strand (C>T on the coding strand, the complement: EFHC2 is on the minus strand). VCF-style: chrX-44248815-G-A. GRCh37 (hg19) VCF-style: chrX-44108061-G-A.
Identifiers: ClinVar variation 2660365 (VCV002660365.24), dbSNP rs372092672, ClinGen allele CA10391696.